The following is an entry in ClinVar:

NM_004360.5(CDH1):c.2580C>T (p.Asp860=)

Gene: CDH1 (cadherin 1; plus strand). Cytogenetic location: 16q22.1.
Variant type: single nucleotide variant.
Coding change: c.2580C>T on transcript NM_004360.5 (MANE Select); coding-DNA position 2580, C replaced by T.
Protein change: p.Asp860=; no amino-acid change (aspartic acid 860 retained).
Molecular consequence: synonymous variant.
Genome position (GRCh38, 1-based): chr16:68,833,430, C>T. VCF-style: chr16-68833430-C-T. GRCh37 (hg19) VCF-style: chr16-68867333-C-T.
Other names: c.2397C>T, p.Asp799= (NM_001317184.2); c.1032C>T, p.Asp344= (NM_001317185.2); c.615C>T, p.Asp205= (NM_001317186.2).
Identifiers: ClinVar variation 1172264 (VCV001172264.11), dbSNP rs2152144118, ClinGen allele CA496393185.

ClinVar aggregate classification (germline): Benign/Likely benign. Review status: criteria provided, multiple submitters, no conflicts (2 of 4 stars). 3 submissions from 3 submitters: Benign (1); Likely benign (2). Last evaluated 2024-09-24.

Conditions:
Hereditary cancer-predisposing syndrome. Also called: Hereditary neoplastic syndrome; Neoplastic Syndromes, Hereditary; Hereditary Cancer Syndrome; Tumor predisposition. Identifiers: Orphanet 140162, MedGen C0027672, MeSH D009386, MONDO:0015356.
Hereditary diffuse gastric adenocarcinoma (HDGC). Also called: DIFFUSE GASTRIC AND LOBULAR BREAST CANCER SYNDROME. Identifiers: Orphanet 26106, MedGen C1708349, MONDO:0007648, OMIM 137215.

gnomAD v4.1: 1 of 1,614,176 alleles (0.000062%); highest among the groups gnomAD compares: Middle Eastern, 0.017%; no homozygotes.

Submissions (3):

Myriad Genetics, Inc.
Classification: Benign for Hereditary diffuse gastric adenocarcinoma. Last evaluated: 2024-09-24. Review status: criteria provided, single submitter. Criteria: Myriad Autosomal Dominant, Autosomal Recessive and X-Linked Classification Criteria (2023). Collection method: clinical testing. Allele origin: unknown.
Comment: This variant is considered benign. This variant is a silent/synonymous amino acid change and it is not expected to impact splicing.

Labcorp Genetics (formerly Invitae), Labcorp
Classification: Likely benign for Hereditary diffuse gastric adenocarcinoma. Last evaluated: 2021-02-20. Review status: criteria provided, single submitter. Criteria: Invitae Variant Classification Sherloc (09022015). Collection method: clinical testing. Allele origin: germline.

Color Diagnostics, LLC DBA Color Health
Classification: Likely benign for Hereditary cancer-predisposing syndrome. Last evaluated: 2020-10-12. Review status: criteria provided, single submitter. Criteria: ACMG Guidelines, 2015. Collection method: clinical testing. Allele origin: germline.